The following is an entry in ClinVar:

ClinVar aggregate classification (germline): Uncertain significance (1 of 4 stars; one submission).

Submission:

Center for Genomic Medicine, Rigshospitalet, Copenhagen University Hospital
Classification: Uncertain significance. Last evaluated: 2025-12-29. Review status: criteria provided, single submitter. Criteria: ACMG Guidelines, 2015. Collection method: clinical testing. Allele origin: germline.
Comment: Classification criteria: PM2_supporting

NM_177438.3(DICER1):c.2809C>G (p.Arg937Gly)

Gene: DICER1 (dicer 1, ribonuclease III; minus strand). Cytogenetic location: 14q32.13.
Variant type: single nucleotide variant.
Coding change: c.2809C>G on transcript NM_177438.3 (MANE Select); coding-DNA position 2809, C replaced by G.
Protein change: p.Arg937Gly; replaces arginine 937 with glycine.
Molecular consequence: missense variant. On other transcripts: non-coding transcript variant (6).
Genome position (GRCh38, 1-based): chr14:95,106,219, G>C on the plus strand (C>G on the coding strand, the complement: DICER1 is on the minus strand). VCF-style: chr14-95106219-G-C. GRCh37 (hg19) VCF-style: chr14-95572556-G-C.
Other names: c.2809C>G, p.Arg937Gly (NM_001395684.1, NM_001395692.1, NM_001395693.1 and 12 more transcripts); c.2527C>G, p.Arg843Gly (NM_001395686.1); c.2404C>G, p.Arg802Gly (NM_001395687.1, NM_001395688.1, NM_001395689.1 and 2 more transcripts); c.2242C>G, p.Arg748Gly (NM_001395691.1); c.1126C>G, p.Arg376Gly (NM_001395697.1); short protein forms R376G, R748G, R802G, R843G, R937G.
Identifiers: ClinVar variation 4539135 (VCV004539135.1).
Genomic context (GRCh38, chr14:95,106,219, plus strand): 5'-GTGGGGTAAGATCAGTGTACACATCAGCTACATAAAATCGATGAGGCTGATCAAAATTGC[G>C]ATATCTAAAAAAGAAAAACAAAAAAACAATCAGTTGCTTTTTGATTTAAATCAACTATTC-3'
Protein context (NP_803187.1, residues 927-947): YQDAVIIPRY[Arg937Gly]NFDQPHRFYV